The following is an entry in ClinVar:

ClinVar aggregate classification (germline): Likely benign. Review status: criteria provided, multiple submitters, no conflicts (2 of 4 stars). 6 submissions from 6 submitters: Likely benign (6). Last evaluated 2025-12-31.

Conditions:
TTR-related disorder. Also called: TTR-related condition; TTR-related disorders.
Cardiovascular phenotype. Identifiers: MedGen CN230736.
Cardiomyopathy (CMYO). Also called: Cardiomyopathies. Identifiers: Orphanet 167848, MedGen C0878544, MONDO:0004994, HP:0001638. Inheritance: Various modes of inheritance.
Amyloidosis, hereditary systemic 1 (AMYLD1). Also called: Familial amyloid polyneuropathy; Transthyretin Amyloidosis; AMYLOID CARDIOMYOPATHY; Hereditary oculoleptomeningeal amyloid angiopathy; Familial Transthyretin Amyloidosis; Hereditary Transthyretin Amyloidosis. Identifiers: Orphanet 85447, Orphanet 85451, MedGen C2751492, MONDO:0971004, OMIM 105210.

Allele frequency attached by ClinVar (database versions not stated): ExAC 0.00002; gnomAD exomes 0.00002; TOPMed 0.00002; gnomAD 0.00003.
gnomAD v4.1: 113 of 1,614,118 alleles (0.007%); highest among the groups gnomAD compares: Non-Finnish European, 0.009%; no homozygotes.

Submissions (6):

Labcorp Genetics (formerly Invitae), Labcorp
Classification: Likely benign for Amyloidosis, hereditary systemic 1. Last evaluated: 2025-12-31. Review status: criteria provided, single submitter. Criteria: Invitae Variant Classification Sherloc (09022015). Collection method: clinical testing. Allele origin: germline.

PreventionGenetics, part of Exact Sciences
Classification: Likely benign for TTR-related condition. Last evaluated: 2025-12-02. Review status: criteria provided, single submitter. Criteria: ACMG Guidelines, 2015. Collection method: clinical testing. Allele origin: germline.
Comment: This variant is classified as likely benign based on ACMG/AMP sequence variant interpretation guidelines (Richards et al. 2015 PMID: 25741868, with internal and published modifications).

Women's Health and Genetics/Laboratory Corporation of America, LabCorp
Classification: Likely benign. Last evaluated: 2025-06-02. Review status: criteria provided, single submitter. Criteria: LabCorp Variant Classification Summary - May 2015. Collection method: clinical testing. Allele origin: germline.

ARUP Laboratories, Molecular Genetics and Genomics, ARUP Laboratories
Classification: Likely benign. Last evaluated: 2024-05-22. Review status: criteria provided, single submitter. Criteria: ARUP Molecular Germline Variant Investigation Process 2024. Collection method: clinical testing. Allele origin: germline.

CHEO Genetics Diagnostic Laboratory, Children's Hospital of Eastern Ontario
Classification: Likely benign for Cardiomyopathy. Last evaluated: 2020-07-22. Review status: criteria provided, single submitter. Criteria: ACMG Guidelines, 2015. Collection method: clinical testing. Allele origin: germline.

Ambry Genetics
Classification: Likely benign for Cardiovascular phenotype. Last evaluated: 2019-07-11. Review status: criteria provided, single submitter. Criteria: Ambry Variant Classification Scheme 2023. Collection method: clinical testing. Allele origin: germline.

NM_000371.4(TTR):c.405C>G (p.Ser135=)

Gene: TTR (transthyretin; plus strand). Cytogenetic location: 18q12.1.
Variant type: single nucleotide variant.
Coding change: c.405C>G on transcript NM_000371.4 (MANE Select); coding-DNA position 405, C replaced by G.
Protein change: p.Ser135=; no amino-acid change (serine 135 retained).
Molecular consequence: synonymous variant.
Genome position (GRCh38, 1-based): chr18:31,598,636, C>G. VCF-style: chr18-31598636-C-G. GRCh37 (hg19) VCF-style: chr18-29178599-C-G.
Identifiers: ClinVar variation 412959 (VCV000412959.18), dbSNP rs760153126, ClinGen allele CA8928509.
Genomic context (GRCh38, chr18:31,598,636, plus strand): 5'-CACAGCCAACGACTCCGGCCCCCGCCGCTACACCATTGCCGCCCTGCTGAGCCCCTACTC[C>G]TATTCCACCACGGCTGTCGTCACCAATCCCAAGGAATGAGGGACTTCTCCTCCAGTGGAC-3'
Protein context (NP_000362.1, residues 125-145): YTIAALLSPY[Ser135=]YSTTAVVTNP